The following is an entry in ClinVar:

NM_001199753.2(CPT1C):c.1866+3G>A

Gene: CPT1C (carnitine palmitoyltransferase 1C; plus strand). Cytogenetic location: 19q13.33.
Variant type: single nucleotide variant.
Coding change: c.1866+3G>A on transcript NM_001199753.2 (MANE Select); 3 bases into the intron after coding-DNA position 1866, G replaced by A.
Molecular consequence: intron variant.
Genome position (GRCh38, 1-based): chr19:49,710,860, G>A. VCF-style: chr19-49710860-G-A. GRCh37 (hg19) VCF-style: chr19-50214117-G-A.
Other names: c.1833+3G>A (NM_001378485.1, NM_001136052.3); c.1866+3G>A (NM_001378483.1, NM_001199752.3, NM_152359.3 and 1 more transcripts); c.1731+376G>A (NM_001378486.1, NM_001378488.1); c.1932+3G>A (NM_001378482.1); c.1698+376G>A (NM_001378487.1).
Identifiers: ClinVar variation 2164318 (VCV002164318.4), dbSNP rs1348307396, ClinGen allele CA2340546439.

ClinVar aggregate classification (germline): Uncertain significance (1 of 4 stars; one submission).

Conditions:
Hereditary spastic paraplegia 73. Also called: Spastic paraplegia 73, autosomal dominant. Identifiers: Orphanet 444099, MedGen C5568981, MONDO:0014568, OMIM 616282.

gnomAD v4.1: 11 of 1,610,250 alleles (0.00068%); highest among the groups gnomAD compares: East Asian, 0.02%; no homozygotes.

Submission:

Labcorp Genetics (formerly Invitae), Labcorp
Classification: Uncertain significance for Hereditary spastic paraplegia 73. Last evaluated: 2022-10-11. Review status: criteria provided, single submitter. Criteria: Invitae Variant Classification Sherloc (09022015). Collection method: clinical testing. Allele origin: germline.
Comment: In summary, the available evidence is currently insufficient to determine the role of this variant in disease. Therefore, it has been classified as a Variant of Uncertain Significance. Variants that disrupt the consensus splice site are a relatively common cause of aberrant splicing (PMID: 17576681, 9536098). Algorithms developed to predict the effect of sequence changes on RNA splicing suggest that this variant is not likely to affect RNA splicing. This variant has been observed in individual(s) with clinical features of hereditary spastic paraplegia (Invitae). This variant is not present in population databases (gnomAD no frequency). This sequence change falls in intron 16 of the CPT1C gene. It does not directly change the encoded amino acid sequence of the CPT1C protein. It affects a nucleotide within the consensus splice site.

Literature cited by the submitters: PubMed 17576681; PubMed 9536098.